The following is an entry in ClinVar:

ClinVar aggregate classification (germline): Uncertain significance (1 of 4 stars; one submission).

Submission:

GeneDx
Classification: Uncertain significance. Last evaluated: 2023-07-31. Review status: criteria provided, single submitter. Criteria: GeneDx Variant Classification Process June 2021. Collection method: clinical testing. Allele origin: germline. Affected: yes.
Comment: Not observed at significant frequency in large population cohorts (gnomAD); In silico analysis is inconclusive as to whether the variant alters gene splicing. In the absence of RNA/functional studies, the actual effect of this sequence change is unknown.; Has not been previously published as pathogenic or benign to our knowledge

NM_006361.6(HOXB13):c.601+5del

Gene: HOXB13 (homeobox B13; minus strand). Cytogenetic location: 17q21.32.
Variant type: Deletion.
Coding change: c.601+5del on transcript NM_006361.6 (MANE Select); 5 bases into the intron after coding-DNA position 601, one base deleted (C; older notation c.601+5delC).
Molecular consequence: intron variant.
Genome position (GRCh38, 1-based): chr17:48,727,988, G deleted on the plus strand (C on the coding strand, the reverse complement: HOXB13 is on the minus strand); the first of 2 consecutive G bases (chr17:48,727,988-48,727,989); deleting either gives the same sequence. VCF-style (leftmost placement, unchanged base first): chr17-48727987-AG-A. GRCh37 (hg19) VCF-style: chr17-46805349-AG-A.
Identifiers: ClinVar variation 3361874 (VCV003361874.1).